The following is an entry in ClinVar:

ClinVar aggregate classification (germline): Uncertain significance (1 of 4 stars; one submission).

Submission:

Laboratory for Molecular Medicine, Mass General Brigham Personalized Medicine
Classification: Uncertain significance. Last evaluated: 2017-05-18. Review status: criteria provided, single submitter. Criteria: LMM Criteria. Collection method: clinical testing. Allele origin: germline. Observed: 1 variant allele.
Comment: The p.Leu214Val variant in DFNB31 has not been previously reported in individual s with hearing loss and was absent from large population studies. Computational prediction tools and conservation analysis do not provide strong support for or against an impact to the protein. In summary, the clinical significance of the p .Leu214Val variant is uncertain.

NM_015404.4(WHRN):c.640C>G (p.Leu214Val)

Gene: WHRN (whirlin; minus strand). Cytogenetic location: 9q32.
Variant type: single nucleotide variant.
Coding change: c.640C>G on transcript NM_015404.4 (MANE Select); coding-DNA position 640, C replaced by G.
Protein change: p.Leu214Val; replaces leucine 214 with valine.
Molecular consequence: missense variant. On other transcripts: 5 prime UTR variant (1).
Genome position (GRCh38, 1-based): chr9:114,478,750, G>C on the plus strand (C>G on the coding strand, the complement: WHRN is on the minus strand). VCF-style: chr9-114478750-G-C. GRCh37 (hg19) VCF-style: chr9-117241030-G-C.
Other names: c.-510C>G (NM_001083885.3); c.640C>G, p.Leu214Val (NM_001173425.2); short protein forms L214V.
Identifiers: ClinVar variation 517249 (VCV000517249.5), dbSNP rs1554735418, ClinGen allele CA374622107.
Genomic context (GRCh38, chr9:114,478,750, plus strand): 5'-AGATGTGGTTGGTGACGTAGCCCCCAGGGATGCGCCCTGCTGAGTACACAGACAGCACCA[G>C]CTTCTTGGAGCCCTTCAGAGCCTAGGGAGAGAGGGATACAAAGGTTAGAGGAAGGGAGGT-3'
Protein context (NP_056219.3, residues 204-224): AVKALKGSKK[Leu214Val]VLSVYSAGRI